The following is an entry in ClinVar:

ClinVar aggregate classification (germline): Likely benign (1 of 4 stars; one submission).

Allele frequency attached by ClinVar (database versions not stated): ExAC 0.00001; gnomAD 0.00271.

Submission:

CeGaT Center for Human Genetics Tuebingen
Classification: Likely benign. Last evaluated: 2026-02-01. Review status: criteria provided, single submitter. Criteria: CeGaT Center For Human Genetics Tuebingen Variant Classification Criteria Version 2. Collection method: clinical testing. Allele origin: germline. Affected: yes. Observed: 13 variant alleles.
Comment: TTN: BP4, BP7

NM_001267550.2(TTN):c.38535A>G (p.Pro12845=)

Gene: TTN (titin; minus strand). Cytogenetic location: 2q31.2.
Variant type: single nucleotide variant.
Coding change: c.38535A>G on transcript NM_001267550.2 (MANE Select); coding-DNA position 38535, A replaced by G.
Protein change: p.Pro12845=; no amino-acid change (proline 12845 retained).
Molecular consequence: synonymous variant. On other transcripts: intron variant (5).
Genome position (GRCh38, 1-based): chr2:178,653,827, T>C on the plus strand (A>G on the coding strand, the complement: TTN is on the minus strand). VCF-style: chr2-178653827-T-C. GRCh37 (hg19) VCF-style: chr2-179518554-T-C.
Other names: c.13283-11510A>G (NM_003319.4); c.13859-11510A>G (NM_133437.4); c.13658-11510A>G (NM_133432.3); c.31742-1286A>G (NM_133378.4); c.34523-1286A>G (NM_001256850.1).
Identifiers: ClinVar variation 2498853 (VCV002498853.28), dbSNP rs774717035, ClinGen allele CA1997113.